The following is an entry in ClinVar:

NM_005263.5(GFI1):c.129T>A (p.Asn43Lys)

Gene: GFI1 (growth factor independent 1 transcriptional repressor; minus strand). Cytogenetic location: 1p22.1.
Variant type: single nucleotide variant.
Coding change: c.129T>A on transcript NM_005263.5 (MANE Select); coding-DNA position 129, T replaced by A.
Protein change: p.Asn43Lys; replaces asparagine 43 with lysine.
Molecular consequence: missense variant.
Genome position (GRCh38, 1-based): chr1:92,483,033, A>T on the plus strand (T>A on the coding strand, the complement: GFI1 is on the minus strand). VCF-style: chr1-92483033-A-T. GRCh37 (hg19) VCF-style: chr1-92948590-A-T.
Other names: c.129T>A, p.Asn43Lys (NM_001127215.3, NM_001127216.3); short protein forms N43K.
Identifiers: ClinVar variation 4029367 (VCV004029367.1).

ClinVar aggregate classification (germline): Uncertain significance (1 of 4 stars; one submission).

Submission:

Ambry Genetics
Classification: Uncertain significance. Last evaluated: 2025-03-22. Review status: criteria provided, single submitter. Criteria: Ambry Variant Classification Scheme 2023. Collection method: clinical testing. Allele origin: germline.
Comment: The p.N43K variant (also known as c.129T>A), located in coding exon 2 of the GFI1 gene, results from a T to A substitution at nucleotide position 129. The asparagine at codon 43 is replaced by lysine, an amino acid with similar properties. This amino acid position is conserved. In addition, this alteration is predicted to be tolerated by in silico analysis. Based on the available evidence, the clinical significance of this variant remains unclear.